The following is an entry in ClinVar:

ClinVar aggregate classification (germline): Likely benign. Review status: criteria provided, single submitter (1 of 4 stars). 2 submissions from 2 submitters: Likely benign (1). 1 of the submissions does not count toward it. Last evaluated 2024-02-05.

Conditions:
NDUFV1-related disorder. Also called: NDUFV1-related condition; NDUFV1-related disorders.

Allele frequency attached by ClinVar (database versions not stated): gnomAD exomes below 0.00001.
gnomAD v4.1: 3 of 1,611,952 alleles (0.00019%); highest among the groups gnomAD compares: Non-Finnish European, 0.00017%; no homozygotes.

Submissions (2):

Labcorp Genetics (formerly Invitae), Labcorp
Classification: Likely benign. Last evaluated: 2024-02-05. Review status: criteria provided, single submitter. Criteria: Invitae Variant Classification Sherloc (09022015). Collection method: clinical testing. Allele origin: germline.

PreventionGenetics, part of Exact Sciences
Classification: Likely benign for NDUFV1-related condition. Last evaluated: 2020-05-11. Review status: no assertion criteria provided. Collection method: clinical testing. Allele origin: germline. Not counted in ClinVar's aggregate classification.
Comment: This variant is classified as likely benign based on ACMG/AMP sequence variant interpretation guidelines (Richards et al. 2015 PMID: 25741868, with internal and published modifications).

NM_007103.4(NDUFV1):c.1377C>T (p.Ala459=)

Genes: NDUFV1 (NADH:ubiquinone oxidoreductase core subunit V1; plus strand), LOC126861242 (CDK7 strongly-dependent group 2 enhancer GRCh37_chr11:67379204-67380403; plus strand). Cytogenetic location: 11q13.2.
Variant type: single nucleotide variant.
Coding change: c.1377C>T on transcript NM_007103.4 (MANE Select); coding-DNA position 1377, C replaced by T.
Protein change: p.Ala459=; no amino-acid change (alanine 459 retained).
Molecular consequence: synonymous variant.
Genome position (GRCh38, 1-based): chr11:67,612,440, C>T. VCF-style: chr11-67612440-C-T. GRCh37 (hg19) VCF-style: chr11-67379911-C-T.
Other names: c.1377C>T (NM_007103.3); c.1350C>T, p.Ala450= (NM_001166102.2).
Identifiers: ClinVar variation 2976408 (VCV002976408.5), dbSNP rs2495727741, ClinGen allele CA475418495.